The following is an entry in ClinVar:

ClinVar aggregate classification (germline): Likely benign. Review status: criteria provided, single submitter (1 of 4 stars). 2 submissions from 2 submitters: Likely benign (1). 1 of the submissions does not count toward it. Last evaluated 2024-11-03.

Conditions:
GLI2-related disorder. Also called: GLI2-related disorders; GLI2-related condition.
Holoprosencephaly 9 (HPE9). Also called: HOLOPROSENCEPHALY WITH MICROPHTHALMIA AND FIRST BRANCHIAL ARCH ANOMALIES; PITUITARY ANOMALIES WITH HOLOPROSENCEPHALY-LIKE FEATURES. Identifiers: Orphanet 2162, MedGen C1835819, MONDO:0012563, OMIM 610829.
Postaxial polydactyly-anterior pituitary anomalies-facial dysmorphism syndrome. Also called: Culler-Jones syndrome. Identifiers: Orphanet 420584, MedGen C4014479, MONDO:0014369, OMIM 615849.

Allele frequency attached by ClinVar (database versions not stated): TOPMed 0.00042; gnomAD exomes 0.00004 and 0.00006; gnomAD 0.00032 and 0.00036; ExAC 0.00008.
gnomAD v4.1: 105 of 1,586,978 alleles (0.0066%); highest among the groups gnomAD compares: African/African-American, 0.13%; no homozygotes.

Submissions (2):

Labcorp Genetics (formerly Invitae), Labcorp
Classification: Likely benign for Postaxial polydactyly-anterior pituitary anomalies-facial dysmorphism syndrome; Holoprosencephaly 9. Last evaluated: 2024-11-03. Review status: criteria provided, single submitter. Criteria: Invitae Variant Classification Sherloc (09022015). Collection method: clinical testing. Allele origin: germline.

PreventionGenetics, part of Exact Sciences
Classification: Likely benign for GLI2-related condition. Last evaluated: 2024-01-02. Review status: no assertion criteria provided. Collection method: clinical testing. Allele origin: germline. Not counted in ClinVar's aggregate classification.
Comment: This variant is classified as likely benign based on ACMG/AMP sequence variant interpretation guidelines (Richards et al. 2015 PMID: 25741868, with internal and published modifications).

NM_001374353.1(GLI2):c.2271T>C (p.Ser757=)

Gene: GLI2 (GLI family zinc finger 2; plus strand). Cytogenetic location: 2q14.2.
Variant type: single nucleotide variant.
Coding change: c.2271T>C on transcript NM_001374353.1 (MANE Select); coding-DNA position 2271, T replaced by C.
Protein change: p.Ser757=; no amino-acid change (serine 757 retained).
Molecular consequence: synonymous variant.
Genome position (GRCh38, 1-based): chr2:120,988,236, T>C. VCF-style: chr2-120988236-T-C. GRCh37 (hg19) VCF-style: chr2-121745812-T-C.
Other names: c.2322T>C, p.Ser774= (NM_001371271.1, NM_005270.5); c.1896T>C, p.Ser632= (NM_001374354.1).
Identifiers: ClinVar variation 733469 (VCV000733469.10), dbSNP rs553560055, ClinGen allele CA1852199.